The following is an entry in ClinVar:

NM_004655.4(AXIN2):c.249C>G (p.His83Gln)

Gene: AXIN2 (axin 2; minus strand). Cytogenetic location: 17q24.1.
Variant type: single nucleotide variant.
Coding change: c.249C>G on transcript NM_004655.4 (MANE Select); coding-DNA position 249, C replaced by G.
Protein change: p.His83Gln; replaces histidine 83 with glutamine.
Molecular consequence: missense variant.
Genome position (GRCh38, 1-based): chr17:65,558,372, G>C on the plus strand (C>G on the coding strand, the complement: AXIN2 is on the minus strand). VCF-style: chr17-65558372-G-C. GRCh37 (hg19) VCF-style: chr17-63554490-G-C.
Other names: c.249C>G, p.His83Gln (NM_001363813.1); short protein forms H83Q.
Identifiers: ClinVar variation 938264 (VCV000938264.13), dbSNP rs763904249, ClinGen allele CA400681814.

ClinVar aggregate classification (germline): Uncertain significance. Review status: criteria provided, multiple submitters, no conflicts (2 of 4 stars). 3 submissions from 3 submitters: Uncertain significance (3). Last evaluated 2025-03-04.

Conditions:
Oligodontia-cancer predisposition syndrome. Also called: TOOTH AGENESIS-COLORECTAL CANCER SYNDROME. Identifiers: Orphanet 300576, MedGen C1837750, MONDO:0012075, OMIM 608615. Disease mechanism: loss of function.
Hereditary cancer-predisposing syndrome. Also called: Tumor predisposition; Hereditary neoplastic syndrome; Hereditary Cancer Syndrome; Neoplastic Syndromes, Hereditary. Identifiers: Orphanet 140162, MedGen C0027672, MeSH D009386, MONDO:0015356.

Submissions (3):

Center for Genomic Medicine, Rigshospitalet, Copenhagen University Hospital
Classification: Uncertain significance. Last evaluated: 2025-03-04. Review status: criteria provided, single submitter. Criteria: ACMG Guidelines, 2015. Collection method: clinical testing. Allele origin: germline.

Ambry Genetics
Classification: Uncertain significance for Hereditary cancer-predisposing syndrome. Last evaluated: 2023-05-04. Review status: criteria provided, single submitter. Criteria: Ambry Variant Classification Scheme 2023. Collection method: clinical testing. Allele origin: germline.
Comment: The p.H83Q variant (also known as c.249C>G), located in coding exon 1 of the AXIN2 gene, results from a C to G substitution at nucleotide position 249. The histidine at codon 83 is replaced by glutamine, an amino acid with highly similar properties. This amino acid position is conserved. In addition, this alteration is predicted to be tolerated by in silico analysis. Since supporting evidence is limited at this time, the clinical significance of this alteration remains unclear.

Labcorp Genetics (formerly Invitae), Labcorp
Classification: Uncertain significance for Oligodontia-cancer predisposition syndrome. Last evaluated: 2022-09-13. Review status: criteria provided, single submitter. Criteria: Invitae Variant Classification Sherloc (09022015). Collection method: clinical testing. Allele origin: germline.
Comment: In summary, the available evidence is currently insufficient to determine the role of this variant in disease. Therefore, it has been classified as a Variant of Uncertain Significance. Advanced modeling of protein sequence and biophysical properties (such as structural, functional, and spatial information, amino acid conservation, physicochemical variation, residue mobility, and thermodynamic stability) performed at Invitae indicates that this missense variant is not expected to disrupt AXIN2 protein function. ClinVar contains an entry for this variant (Variation ID: 938264). This variant has not been reported in the literature in individuals affected with AXIN2-related conditions. This variant is not present in population databases (gnomAD no frequency). This sequence change replaces histidine, which is basic and polar, with glutamine, which is neutral and polar, at codon 83 of the AXIN2 protein (p.His83Gln).